The following is an entry in ClinVar:

NM_031885.5(BBS2):c.255del (p.Glu86fs)

Gene: BBS2 (Bardet-Biedl syndrome 2; minus strand). Cytogenetic location: 16q13.
Variant type: Deletion.
Coding change: c.255del on transcript NM_031885.5 (MANE Select); coding-DNA position 255, one base deleted (T; older notation c.255delT).
Protein change: p.Glu86fs; shifts the reading frame from glutamic acid 86.
Molecular consequence: frameshift variant. On other transcripts: non-coding transcript variant (5).
Genome position (GRCh38, 1-based): chr16:56,514,543, A deleted on the plus strand (T on the coding strand, the reverse complement: BBS2 is on the minus strand). VCF-style (leftmost placement, unchanged base first): chr16-56514542-CA-C. GRCh37 (hg19) VCF-style: chr16-56548454-CA-C.
Other names: c.255del, p.Glu86fs (NM_001377456.1); short protein forms E86fs.
Identifiers: ClinVar variation 1378633 (VCV001378633.8), dbSNP rs2144193104, ClinGen allele CA2573152434.
Genomic context (GRCh38, chr16:56,514,542, plus strand): 5'-AGACATCATAAGCCAAAAGATTAGTCTGTGTCCCCACTAAAAGGGCATCATAGCCAAGCT[CA>C]GGGTTCAATACGCCTGCAGTCAGACAGCTGACTGCCTGGTTAATGCTGAGAAGAGAAACA-3'

ClinVar aggregate classification (germline): Pathogenic/Likely pathogenic. Review status: criteria provided, multiple submitters, no conflicts (2 of 4 stars). 3 submissions from 3 submitters: Pathogenic (1); Likely pathogenic (2). Last evaluated 2024-03-12.

Conditions:
Retinitis pigmentosa 74 (RP74). Identifiers: Orphanet 791, MedGen C4225281, MONDO:0014692, OMIM 616562.
Bardet-Biedl syndrome 2 (BBS2). Identifiers: Orphanet 110, MedGen C2936863, MONDO:0014432, OMIM 615981.
Bardet-Biedl syndrome (BBS). Identifiers: Orphanet 110, MedGen C0752166, MONDO:0015229.

Submissions (3):

Fulgent Genetics
Classification: Likely pathogenic for Bardet-Biedl syndrome 2; Retinitis pigmentosa 74. Last evaluated: 2024-03-12. Review status: criteria provided, single submitter. Criteria: ACMG Guidelines, 2015. Collection method: clinical testing. Allele origin: germline.

Labcorp Genetics (formerly Invitae), Labcorp
Classification: Pathogenic for Bardet-Biedl syndrome. Last evaluated: 2023-07-19. Review status: criteria provided, single submitter. Criteria: Invitae Variant Classification Sherloc (09022015). Collection method: clinical testing. Allele origin: germline.
Comment: This sequence change creates a premature translational stop signal (p.Glu86Serfs*8) in the BBS2 gene. It is expected to result in an absent or disrupted protein product. Loss-of-function variants in BBS2 are known to be pathogenic (PMID: 11285252, 20177705, 24608809, 26518167). This variant is not present in population databases (gnomAD no frequency). This variant has not been reported in the literature in individuals affected with BBS2-related conditions. ClinVar contains an entry for this variant (Variation ID: 1378633). For these reasons, this variant has been classified as Pathogenic.

Baylor Genetics
Classification: Likely pathogenic for Bardet-Biedl syndrome 2. Last evaluated: 2023-06-26. Review status: criteria provided, single submitter. Criteria: ACMG Guidelines, 2015. Collection method: clinical testing. Allele origin: unknown.

Literature cited by the submitters: PubMed 11285252 (cited by Labcorp Genetics (formerly Invitae), Labcorp); PubMed 20177705 (cited by Labcorp Genetics (formerly Invitae), Labcorp); PubMed 24608809 (cited by Labcorp Genetics (formerly Invitae), Labcorp); PubMed 26518167 (cited by Labcorp Genetics (formerly Invitae), Labcorp).